The following is an entry in ClinVar:

ClinVar aggregate classification (germline): Uncertain significance (1 of 4 stars; one submission).

Allele frequency attached by ClinVar (database versions not stated): gnomAD exomes below 0.00001.
gnomAD v4.1: 1 of 1,611,440 alleles (0.000062%); highest among the groups gnomAD compares: Non-Finnish European, 0.000085%; no homozygotes.

Submission:

GeneDx
Classification: Uncertain significance. Last evaluated: 2023-05-11. Review status: criteria provided, single submitter. Criteria: GeneDx Variant Classification Process June 2021. Collection method: clinical testing. Allele origin: germline. Affected: yes.
Comment: Not observed at significant frequency in large population cohorts (gnomAD); In silico analysis supports that this missense variant has a deleterious effect on protein structure/function; Has not been previously published as pathogenic or benign to our knowledge

NM_194248.3(OTOF):c.2639G>A (p.Gly880Asp)

Gene: OTOF (otoferlin; minus strand). Cytogenetic location: 2p23.3.
Variant type: single nucleotide variant.
Coding change: c.2639G>A on transcript NM_194248.3 (MANE Select); coding-DNA position 2639, G replaced by A.
Protein change: p.Gly880Asp; replaces glycine 880 with aspartic acid.
Molecular consequence: missense variant.
Genome position (GRCh38, 1-based): chr2:26,476,928, C>T on the plus strand (G>A on the coding strand, the complement: OTOF is on the minus strand). VCF-style: chr2-26476928-C-T. GRCh37 (hg19) VCF-style: chr2-26699796-C-T.
Other names: c.2639G>A, p.Gly880Asp (NM_001287489.2); c.398G>A, p.Gly133Asp (NM_004802.4, NM_194323.3); c.569G>A, p.Gly190Asp (NM_194322.3); short protein forms G133D, G190D, G880D.
Identifiers: ClinVar variation 2501962 (VCV002501962.1), dbSNP rs2465590824, ClinGen allele CA346117748.
Genomic context (GRCh38, chr2:26,476,928, plus strand): 5'-ATCCATCCTGCCCCCTCCAGCACCTTAAGGAAGAGCGTCTTGACCTTGGCGCAGTCCTTG[C>T]CAGTCTCCTCCTCCACGATGGAGAAGAGCAGGTCCTTGGAGGGCACACGGGCATAGGCGA-3'
Protein context (NP_919224.1, residues 870-890): LLFSIVEEET[Gly880Asp]KDCAKVKTLF